The following is an entry in ClinVar:

ClinVar aggregate classification (germline): Uncertain significance (1 of 4 stars; one submission).

Conditions:
Fanconi anemia (FA). Also called: Fanconi's anemia. Identifiers: Orphanet 84, MedGen C0015625, MeSH D005199, MONDO:0019391.

gnomAD v4.1: 1 of 1,613,852 alleles (0.000062%); highest among the groups gnomAD compares: Non-Finnish European, 0.000085%; no homozygotes.

Submission:

Labcorp Genetics (formerly Invitae), Labcorp
Classification: Uncertain significance for Fanconi anemia. Last evaluated: 2025-03-10. Review status: criteria provided, single submitter. Criteria: Invitae Variant Classification Sherloc (09022015). Collection method: clinical testing. Allele origin: germline.
Comment: This sequence change replaces threonine, which is neutral and polar, with proline, which is neutral and non-polar, at codon 1315 of the SLX4 protein (p.Thr1315Pro). This variant is not present in population databases (gnomAD no frequency). This variant has not been reported in the literature in individuals affected with SLX4-related conditions. An algorithm developed to predict the effect of missense changes on protein structure and function (PolyPhen-2) suggests that this variant is likely to be tolerated. In summary, the available evidence is currently insufficient to determine the role of this variant in disease. Therefore, it has been classified as a Variant of Uncertain Significance.

NM_032444.4(SLX4):c.3943A>C (p.Thr1315Pro)

Gene: SLX4 (SLX4 structure-specific endonuclease subunit; minus strand). Cytogenetic location: 16p13.3.
Variant type: single nucleotide variant.
Coding change: c.3943A>C on transcript NM_032444.4 (MANE Select); coding-DNA position 3943, A replaced by C.
Protein change: p.Thr1315Pro; replaces threonine 1315 with proline.
Molecular consequence: missense variant.
Genome position (GRCh38, 1-based): chr16:3,589,695, T>G on the plus strand (A>C on the coding strand, the complement: SLX4 is on the minus strand). VCF-style: chr16-3589695-T-G. GRCh37 (hg19) VCF-style: chr16-3639696-T-G.
Other names: short protein forms T1315P.
Identifiers: ClinVar variation 4694656 (VCV004694656.1).
Genomic context (GRCh38, chr16:3,589,695, plus strand): 5'-CGTCAGAAGTTCCTGGAGAGACGGGAGTGAGGCATGAGGACGGTGTCTGGGGCGGTGGTG[T>G]CTGGGGCCTGATGACAGAAAACTTCTGTGCGACTTCGTTCCCTTCCCTGTTTCCTACTGA-3'
Protein context (NP_115820.2, residues 1305-1325): AQKFSVIRPQ[Thr1315Pro]PPPQTPSSCL